The following is an entry in ClinVar:

NM_004260.4(RECQL4):c.1514G>C (p.Gly505Ala)

Gene: RECQL4 (RecQ like helicase 4; minus strand). Cytogenetic location: 8q24.3.
Variant type: single nucleotide variant.
Coding change: c.1514G>C on transcript NM_004260.4 (MANE Select); coding-DNA position 1514, G replaced by C.
Protein change: p.Gly505Ala; replaces glycine 505 with alanine.
Molecular consequence: missense variant.
Genome position (GRCh38, 1-based): chr8:144,515,042, C>G on the plus strand (G>C on the coding strand, the complement: RECQL4 is on the minus strand). VCF-style: chr8-144515042-C-G. GRCh37 (hg19) VCF-style: chr8-145740426-C-G.
Other names: c.1514G>C (NM_004260.3); short protein forms G505A.
Identifiers: ClinVar variation 1347781 (VCV001347781.7), dbSNP rs1004394987, ClinGen allele CA187687078.
Genomic context (GRCh38, chr8:144,515,042, plus strand): 5'-CAGGGGCTGCGCCGGCTGTAGAGCAGCGCTGGGAGCTGGTAGCACAGGGACTTGCCGGCA[C>G]CTGTAGGCAGCACCAGCAGCGTGGAGATGCCTGGATGGGGCGGGAGTCAGCAGCAGGGTT-3'
Protein context (NP_004251.4, residues 495-515): GISTLLVLPT[Gly505Ala]AGKSLCYQLP

ClinVar aggregate classification (germline): Uncertain significance. Review status: criteria provided, multiple submitters, no conflicts (2 of 4 stars). 2 submissions from 2 submitters: Uncertain significance (2). Last evaluated 2025-05-15.

Conditions:
Inborn genetic diseases. Identifiers: MedGen C0950123, MeSH D030342.
Baller-Gerold syndrome (BGS). Also called: CRANIOSYNOSTOSIS WITH RADIAL DEFECTS. Identifiers: Orphanet 1225, MedGen C0265308, MONDO:0009039, OMIM 218600.

Allele frequency attached by ClinVar (database versions not stated): TOPMed 0.00001.

Submissions (2):

Ambry Genetics
Classification: Uncertain significance for Inborn genetic diseases. Last evaluated: 2025-05-15. Review status: criteria provided, single submitter. Criteria: Ambry Variant Classification Scheme 2023. Collection method: clinical testing. Allele origin: germline.
Comment: The p.G505A variant (also known as c.1514G>C), located in coding exon 9 of the RECQL4 gene, results from a G to C substitution at nucleotide position 1514. The glycine at codon 505 is replaced by alanine, an amino acid with similar properties. This amino acid position is conserved. In addition, this alteration is predicted to be deleterious by in silico analysis. Based on the available evidence, the clinical significance of this variant remains unclear.

Labcorp Genetics (formerly Invitae), Labcorp
Classification: Uncertain significance for Baller-Gerold syndrome. Last evaluated: 2024-05-22. Review status: criteria provided, single submitter. Criteria: Invitae Variant Classification Sherloc (09022015). Collection method: clinical testing. Allele origin: germline.
Comment: This sequence change replaces glycine, which is neutral and non-polar, with alanine, which is neutral and non-polar, at codon 505 of the RECQL4 protein (p.Gly505Ala). This variant is not present in population databases (gnomAD no frequency). This variant has not been reported in the literature in individuals affected with RECQL4-related conditions. ClinVar contains an entry for this variant (Variation ID: 1347781). Advanced modeling of protein sequence and biophysical properties (such as structural, functional, and spatial information, amino acid conservation, physicochemical variation, residue mobility, and thermodynamic stability) performed at Invitae indicates that this missense variant is expected to disrupt RECQL4 protein function with a positive predictive value of 80%. In summary, the available evidence is currently insufficient to determine the role of this variant in disease. Therefore, it has been classified as a Variant of Uncertain Significance.